The following is an entry in ClinVar:

ClinVar aggregate classification (germline): Uncertain significance (1 of 4 stars; one submission).

Conditions:
Brugada syndrome 8 (BRGDA8). Identifiers: Orphanet 130, MedGen C2751083, MONDO:0013148, OMIM 613123.

Submission:

Labcorp Genetics (formerly Invitae), Labcorp
Classification: Uncertain significance for Brugada syndrome 8. Last evaluated: 2024-08-21. Review status: criteria provided, single submitter. Criteria: Invitae Variant Classification Sherloc (09022015). Collection method: clinical testing. Allele origin: germline.
Comment: This sequence change replaces glycine, which is neutral and non-polar, with valine, which is neutral and non-polar, at codon 976 of the HCN4 protein (p.Gly976Val). This variant is not present in population databases (gnomAD no frequency). This variant has not been reported in the literature in individuals affected with HCN4-related conditions. Invitae Evidence Modeling of protein sequence and biophysical properties (such as structural, functional, and spatial information, amino acid conservation, physicochemical variation, residue mobility, and thermodynamic stability) indicates that this missense variant is not expected to disrupt HCN4 protein function with a negative predictive value of 95%. In summary, the available evidence is currently insufficient to determine the role of this variant in disease. Therefore, it has been classified as a Variant of Uncertain Significance.

NM_005477.3(HCN4):c.2927G>T (p.Gly976Val)

Gene: HCN4 (hyperpolarization activated cyclic nucleotide gated potassium channel 4; minus strand). Cytogenetic location: 15q24.1.
Variant type: single nucleotide variant.
Coding change: c.2927G>T on transcript NM_005477.3 (MANE Select); coding-DNA position 2927, G replaced by T.
Protein change: p.Gly976Val; replaces glycine 976 with valine.
Molecular consequence: missense variant.
Genome position (GRCh38, 1-based): chr15:73,323,166, C>A on the plus strand (G>T on the coding strand, the complement: HCN4 is on the minus strand). VCF-style: chr15-73323166-C-A. GRCh37 (hg19) VCF-style: chr15-73615507-C-A.
Other names: short protein forms G976V.
Identifiers: ClinVar variation 3629372 (VCV003629372.2).